The following is an entry in ClinVar:

NM_000077.5(CDKN2A):c.391C>T (p.Arg131Cys)

Gene: CDKN2A (cyclin dependent kinase inhibitor 2A; minus strand). Cytogenetic location: 9p21.3.
Variant type: single nucleotide variant.
Coding change: c.391C>T on transcript NM_000077.5; coding-DNA position 391, C replaced by T.
Protein change: p.Arg131Cys; replaces arginine 131 with cysteine.
Molecular consequence: missense variant (on NM_000077.6). On other transcripts: 3 prime UTR variant (2).
Genome position (GRCh38, 1-based): chr9:21,970,968, G>A on the plus strand (C>T on the coding strand, the complement: CDKN2A is on the minus strand). VCF-style: chr9-21970968-G-A. GRCh37 (hg19) VCF-style: chr9-21970967-G-A.
Other names: c.391C>T, p.Arg131Cys (NM_000077.6, NM_001195132.2); c.238C>T, p.Arg80Cys (NM_001363763.2); c.*35C>T (NM_058195.4); c.*314C>T (NM_058197.5); short protein forms R131C, R80C.
Identifiers: ClinVar variation 1350948 (VCV001350948.11), dbSNP rs755927351, ClinGen allele CA5012167.

ClinVar aggregate classification (germline): Uncertain significance. Review status: criteria provided, multiple submitters, no conflicts (2 of 4 stars). 3 submissions from 3 submitters: Uncertain significance (3). Last evaluated 2025-12-30.

Conditions:
Hereditary cancer-predisposing syndrome. Also called: Neoplastic Syndromes, Hereditary; Tumor predisposition; Hereditary neoplastic syndrome; Hereditary Cancer Syndrome. Identifiers: Orphanet 140162, MedGen C0027672, MeSH D009386, MONDO:0015356.
Familial melanoma. Also called: Hereditary melanoma; Hereditary cutaneous melanoma. Identifiers: Orphanet 618, MedGen C1512419, MONDO:0018961.

Allele frequency attached by ClinVar (database versions not stated): gnomAD exomes below 0.00001; ExAC 0.00001.
gnomAD v4.1: 1 of 1,611,490 alleles (0.000062%); highest among the groups gnomAD compares: Non-Finnish European, 0.000085%; no homozygotes.

Submissions (3):

Ambry Genetics
Classification: Uncertain significance for Hereditary cancer-predisposing syndrome. Last evaluated: 2025-12-30. Review status: criteria provided, single submitter. Criteria: Ambry Variant Classification Scheme 2023. Collection method: clinical testing. Allele origin: germline.
Comment: The p.R131C variant (also known as c.391C>T), located in coding exon 2 of the CDKN2A gene, results from a C to T substitution at nucleotide position 391. The arginine at codon 131 is replaced by cysteine, an amino acid with highly dissimilar properties. This amino acid position is well conserved in available vertebrate species. In addition, the in silico prediction for this alteration is inconclusive. Based on the available evidence, the clinical significance of this variant remains unclear.

Labcorp Genetics (formerly Invitae), Labcorp
Classification: Uncertain significance for Familial melanoma. Last evaluated: 2024-03-14. Review status: criteria provided, single submitter. Criteria: Invitae Variant Classification Sherloc (09022015). Collection method: clinical testing. Allele origin: germline.
Comment: This sequence change replaces arginine, which is basic and polar, with cysteine, which is neutral and slightly polar, at codon 131 of the CDKN2A (p16INK4a) protein (p.Arg131Cys). This variant is present in population databases (rs755927351, gnomAD 0.006%). This variant has not been reported in the literature in individuals affected with CDKN2A (p16INK4a)-related conditions. ClinVar contains an entry for this variant (Variation ID: 1350948). An algorithm developed to predict the effect of missense changes on protein structure and function (PolyPhen-2) suggests that this variant is likely to be tolerated. In summary, the available evidence is currently insufficient to determine the role of this variant in disease. Therefore, it has been classified as a Variant of Uncertain Significance.

Color Diagnostics, LLC DBA Color Health
Classification: Uncertain significance for Hereditary cancer-predisposing syndrome. Last evaluated: 2021-11-01. Review status: criteria provided, single submitter. Criteria: ACMG Guidelines, 2015. Collection method: clinical testing. Allele origin: germline.
Comment: This missense variant replaces arginine with cysteine at codon 131 of the CDKN2A (p16INK4A) protein. Computational prediction suggests that this variant may not impact protein structure and function (internally defined REVEL score threshold <= 0.5, PMID: 27666373). To our knowledge, functional studies have not been reported for this variant. This variant has not been reported in individuals affected with hereditary cancer in the literature. This variant has been identified in 1/245368 chromosomes in the general population by the Genome Aggregation Database (gnomAD). The available evidence is insufficient to determine the role of this variant in disease conclusively. Therefore, this variant is classified as a Variant of Uncertain Significance.